The following is an entry in ClinVar:

ClinVar aggregate classification (germline): Likely pathogenic (1 of 4 stars; one submission).

Conditions:
Cystic fibrosis (CF). Also called: MUCOVISCIDOSIS. Identifiers: Orphanet 586, MedGen C0010674, MONDO:0009061, OMIM 219700. Disease mechanism: loss of function.

Submission:

Myriad Genetics, Inc.
Classification: Likely pathogenic for Cystic fibrosis. Last evaluated: 2022-05-18. Review status: criteria provided, single submitter. Criteria: Myriad Women's Health Autosomal Recessive and X-Linked Classification Criteria (2021). Collection method: clinical testing. Allele origin: unknown.
Comment: NM_000492.3(CFTR):c.2283dupT(Q762Sfs*17) is expected to be pathogenic in the context of cystic fibrosis. This variant is predicted to lead to an abnormal or absent protein product due to the creation of a premature termination codon in CFTR, a gene where loss-of-function variants are known to be pathogenic. Please note: this variant was assessed in the context of healthy population screening.

NM_000492.4(CFTR):c.2283dup (p.Gln762fs)

Gene: CFTR (CF transmembrane conductance regulator; plus strand). Cytogenetic location: 7q31.2.
Variant type: Duplication.
Coding change: c.2283dup on transcript NM_000492.4 (MANE Select); coding-DNA position 2283, one base duplicated (T; older notation c.2283dupT).
Protein change: p.Gln762fs; shifts the reading frame from glutamine 762.
Molecular consequence: frameshift variant.
Genome position (GRCh38, 1-based): chr7:117,592,450, T duplicated; the last of 2 consecutive T bases (chr7:117,592,449-117,592,450); duplicating either gives the same sequence. VCF-style (leftmost placement, unchanged base first): chr7-117592448-C-CT. GRCh37 (hg19) VCF-style: chr7-117232502-C-CT.
Other names: short protein forms Q762fs.
Identifiers: ClinVar variation 1726109 (VCV001726109.2), dbSNP rs2485110441, ClinGen allele CA2580076542.
Genomic context (GRCh38, chr7:117,592,448, plus strand): 5'-GATTCTGAGCAGGGAGAGGCGATACTGCCTCGCATCAGCGTGATCAGCACTGGCCCCACG[C>CT]TTCAGGCACGAAGGAGGCAGTCTGTCCTGAACCTGATGACACACTCAGTTAACCAAGGTC-3'